The following is an entry in ClinVar:

ClinVar aggregate classification (germline): Benign. Review status: criteria provided, multiple submitters, no conflicts (2 of 4 stars). 3 submissions from 3 submitters: Benign (3). Last evaluated 2018-01-12.

Conditions:
Brody myopathy. Also called: BRODY DISEASE. Identifiers: Orphanet 53347, MedGen C1832918, MONDO:0010977, OMIM 601003.

Allele frequency attached by ClinVar (database versions not stated): gnomAD exomes 0.01265; ExAC 0.03603; gnomAD 0.05218 and 0.05579; ESP Exome Variant Server 0.05521; 1000 Genomes Project 0.05591; 1000 Genomes Project 30x 0.05856; TOPMed 0.05987.
gnomAD v4.1: 15,457 of 1,572,948 alleles (0.98%); highest among the groups gnomAD compares: African/African-American, 18%; 1,335 homozygotes.

Submissions (3):

Illumina Laboratory Services, Illumina
Classification: Benign for Brody myopathy. Last evaluated: 2018-01-12. Review status: criteria provided, single submitter. Criteria: ICSL Variant Classification Criteria 13 December 2019. Collection method: clinical testing. Allele origin: germline.
Comment: This variant was observed in the ICSL laboratory as part of a predisposition screen in an ostensibly healthy population. It had not been previously curated by ICSL or reported in the Human Gene Mutation Database (HGMD: prior to June 1st, 2018), and was therefore a candidate for classification through an automated scoring system. Utilizing variant allele frequency, disease prevalence and penetrance estimates, and inheritance mode, an automated score was calculated to assess if this variant is too frequent to cause the disease. Based on the score and internal cut-off values, a variant classified as benign is not then subjected to further curation. The score for this variant resulted in a classification of benign for this disease.

GeneDx
Classification: Benign. Last evaluated: 2016-03-28. Review status: criteria provided, single submitter. Criteria: GeneDx Variant Classification (06012015). Collection method: clinical testing. Allele origin: germline. Affected: yes.
Comment: This variant is considered likely benign or benign based on one or more of the following criteria: it is a conservative change, it occurs at a poorly conserved position in the protein, it is predicted to be benign by multiple in silico algorithms, and/or has population frequency not consistent with disease.

Breakthrough Genomics
Classification: Benign. Review status: criteria provided, single submitter. Criteria: ACMG Guidelines, 2015. Collection method: not provided. Allele origin: germline. Inheritance: Autosomal recessive inheritance. Affected: yes.

NM_004320.6(ATP2A1):c.-22C>T

Gene: ATP2A1 (ATPase sarcoplasmic/endoplasmic reticulum Ca2+ transporting 1; plus strand). Cytogenetic location: 16p11.2.
Variant type: single nucleotide variant.
Coding change: c.-22C>T on transcript NM_004320.6 (MANE Select); 22 bases upstream of the start codon, C replaced by T.
Molecular consequence: 5 prime UTR variant.
Genome position (GRCh38, 1-based): chr16:28,878,650, C>T. VCF-style: chr16-28878650-C-T. GRCh37 (hg19) VCF-style: chr16-28889971-C-T.
Other names: c.-22C>T (NM_173201.5).
Identifiers: ClinVar variation 318764 (VCV000318764.6), dbSNP rs75273069, ClinGen allele CA7986465.